The following is an entry in ClinVar:

ClinVar aggregate classification (germline): Likely benign. Review status: criteria provided, multiple submitters, no conflicts (2 of 4 stars). 2 submissions from 2 submitters: Likely benign (2). Last evaluated 2025-05-22.

Conditions:
TYMP-related disorder. Also called: TYMP-related condition.

Allele frequency attached by ClinVar (database versions not stated): gnomAD exomes 0.00001.
gnomAD v4.1: 2 of 1,612,884 alleles (0.00012%); highest among the groups gnomAD compares: East Asian, 0.0045%; no homozygotes.

Submissions (2):

PreventionGenetics, part of Exact Sciences
Classification: Likely benign for TYMP-related condition. Last evaluated: 2025-05-22. Review status: criteria provided, single submitter. Criteria: ACMG Guidelines, 2015. Collection method: clinical testing. Allele origin: germline.
Comment: This variant is classified as likely benign based on ACMG/AMP sequence variant interpretation guidelines (Richards et al. 2015 PMID: 25741868, with internal and published modifications).

Labcorp Genetics (formerly Invitae), Labcorp
Classification: Likely benign. Last evaluated: 2023-03-26. Review status: criteria provided, single submitter. Criteria: Invitae Variant Classification Sherloc (09022015). Collection method: clinical testing. Allele origin: germline.

NM_001953.5(TYMP):c.753G>C (p.Leu251=)

Gene: TYMP (thymidine phosphorylase; minus strand). Cytogenetic location: 22q13.33.
Variant type: single nucleotide variant.
Coding change: c.753G>C on transcript NM_001953.5 (MANE Select); coding-DNA position 753, G replaced by C.
Protein change: p.Leu251=; no amino-acid change (leucine 251 retained).
Molecular consequence: synonymous variant.
Genome position (GRCh38, 1-based): chr22:50,527,177, C>G on the plus strand (G>C on the coding strand, the complement: TYMP is on the minus strand). VCF-style: chr22-50527177-C-G. GRCh37 (hg19) VCF-style: chr22-50965606-C-G.
Other names: c.753G>C (NM_001953.4); c.753G>C, p.Leu251= (NM_001113755.3, NM_001113756.3, NM_001257988.1 and 1 more transcripts).
Identifiers: ClinVar variation 1107491 (VCV001107491.10), dbSNP rs751870619, ClinGen allele CA10321583.